The following is an entry in ClinVar:

NC_012920.1(MT-CO1):m.6912G>A

Gene: MT-CO1 (mitochondrially encoded cytochrome c oxidase I; plus strand).
Variant type: single nucleotide variant.
Genome position: chrM-6912-G-A.
Identifiers: ClinVar variation 692683 (VCV000692683.1), dbSNP rs1603220686, ClinGen allele CA414790003.

ClinVar aggregate classification (germline): Uncertain significance (1 of 4 stars; one submission).

Conditions:
Leigh syndrome (NULS). Also called: Leigh's necrotizing encephalopathy; Leigh's disease; Leigh Syndrome (mtDNA deletion); Leigh Disease; Subacute necrotizing encephalopathy; Necrotizing encephalopathy infantile subacute of Leigh. Identifiers: Orphanet 506, MedGen C2931891, MONDO:0009723, OMIM 256000.

Submission:

Wong Mito Lab, Molecular and Human Genetics, Baylor College of Medicine
Classification: Uncertain significance for Leigh syndrome. Last evaluated: 2019-10-17. Review status: criteria provided, single submitter. Criteria: Modified ACMG Guidelines (Unpublished). Collection method: clinical testing. Allele origin: germline.
Comment: The NC_012920.1:m.6912G>A (YP_003024028.1:p.Ala337Thr) variant in MTCO1 gene is interpretated to be a Uncertain Significance variant based on the modified ACMG guidelines (unpublished). This variant meets the following evidence codes: PP7